The following is an entry in ClinVar:

ClinVar aggregate classification (germline): Benign. Review status: criteria provided, single submitter (1 of 4 stars). 2 submissions from 2 submitters: Benign (1). 1 of the submissions does not count toward it. Last evaluated 2026-01-25.

Conditions:
CPAMD8-related disorder. Also called: CPAMD8-related condition.

Allele frequency attached by ClinVar (database versions not stated): gnomAD 0.01354; 1000 Genomes Project 30x 0.01015; 1000 Genomes Project 0.01018; ESP Exome Variant Server 0.01436; TOPMed 0.01247; ExAC 0.01729; gnomAD exomes 0.01819.
gnomAD v4.1: 28,517 of 1,613,976 alleles (1.8%); highest among the groups gnomAD compares: South Asian, 2.2%; 315 homozygotes.

Submissions (2):

Labcorp Genetics (formerly Invitae), Labcorp
Classification: Benign. Last evaluated: 2026-01-25. Review status: criteria provided, single submitter. Criteria: Invitae Variant Classification Sherloc (09022015). Collection method: clinical testing. Allele origin: germline.

PreventionGenetics, part of Exact Sciences
Classification: Benign for CPAMD8-related condition. Last evaluated: 2019-02-25. Review status: no assertion criteria provided. Collection method: clinical testing. Allele origin: germline. Not counted in ClinVar's aggregate classification.
Comment: This variant is classified as benign based on ACMG/AMP sequence variant interpretation guidelines (Richards et al. 2015 PMID: 25741868, with internal and published modifications).

NM_015692.5(CPAMD8):c.1298T>A (p.Val433Glu)

Gene: CPAMD8 (C3 and PZP like alpha-2-macroglobulin domain containing 8; minus strand). Cytogenetic location: 19p13.11.
Variant type: single nucleotide variant.
Coding change: c.1298T>A on transcript NM_015692.5 (MANE Select); coding-DNA position 1298, T replaced by A.
Protein change: p.Val433Glu; replaces valine 433 with glutamic acid.
Molecular consequence: missense variant.
Genome position (GRCh38, 1-based): chr19:16,989,740, A>T on the plus strand (T>A on the coding strand, the complement: CPAMD8 is on the minus strand). VCF-style: chr19-16989740-A-T. GRCh37 (hg19) VCF-style: chr19-17100550-A-T.
Other names: c.1439T>A (NM_015692.2); short protein forms V433E.
Identifiers: ClinVar variation 2020898 (VCV002020898.6), dbSNP rs61744414, ClinGen allele CA9285756.